The following is an entry in ClinVar:

ClinVar aggregate classification (germline): Uncertain significance (1 of 4 stars; one submission).

Conditions:
Cardiovascular phenotype. Identifiers: MedGen CN230736.

Allele frequency attached by ClinVar (database versions not stated): gnomAD exomes below 0.00001 and 0.00001; ExAC 0.00001; gnomAD 0.00001; TOPMed 0.00001.
gnomAD v4.1: 11 of 1,613,930 alleles (0.00068%); highest among the groups gnomAD compares: Non-Finnish European, 0.00093%; no homozygotes.

Submission:

Ambry Genetics
Classification: Uncertain significance for Cardiovascular phenotype. Last evaluated: 2024-05-22. Review status: criteria provided, single submitter. Criteria: Ambry Variant Classification Scheme 2023. Collection method: clinical testing. Allele origin: germline.
Comment: The p.I3855V variant (also known as c.11563A>G), located in coding exon 26 of the APOB gene, results from an A to G substitution at nucleotide position 11563. The isoleucine at codon 3855 is replaced by valine, an amino acid with highly similar properties. This amino acid position is conserved. In addition, this alteration is predicted to be tolerated by in silico analysis. Since supporting evidence is limited at this time, the clinical significance of this alteration remains unclear.

NM_000384.3(APOB):c.11563A>G (p.Ile3855Val)

Gene: APOB (apolipoprotein B; minus strand). Cytogenetic location: 2p24.1.
Variant type: single nucleotide variant.
Coding change: c.11563A>G on transcript NM_000384.3 (MANE Select); coding-DNA position 11563, A replaced by G.
Protein change: p.Ile3855Val; replaces isoleucine 3855 with valine.
Molecular consequence: missense variant.
Genome position (GRCh38, 1-based): chr2:21,005,305, T>C on the plus strand (A>G on the coding strand, the complement: APOB is on the minus strand). VCF-style: chr2-21005305-T-C. GRCh37 (hg19) VCF-style: chr2-21228177-T-C.
Other names: short protein forms I3855V.
Identifiers: ClinVar variation 334096 (VCV000334096.10), dbSNP rs762255105, ClinGen allele CA046867.